The following is an entry in ClinVar:

ClinVar aggregate classification (germline): Uncertain significance (1 of 4 stars; one submission).

Allele frequency attached by ClinVar (database versions not stated): gnomAD 0.00005; ExAC 0.00002; TOPMed 0.00006.

Submission:

Labcorp Genetics (formerly Invitae), Labcorp
Classification: Uncertain significance. Last evaluated: 2022-07-14. Review status: criteria provided, single submitter. Criteria: Invitae Variant Classification Sherloc (09022015). Collection method: clinical testing. Allele origin: germline.
Comment: This sequence change creates a premature translational stop signal (p.Gln114*) in the PRDX1 gene. It is expected to result in an absent or disrupted protein product. However, the current clinical and genetic evidence is not sufficient to establish whether loss-of-function variants in PRDX1 cause disease. This variant is present in population databases (rs777372127, gnomAD 0.02%). This variant has not been reported in the literature in individuals affected with PRDX1-related conditions. In summary, the available evidence is currently insufficient to determine the role of this variant in disease. Therefore, it has been classified as a Variant of Uncertain Significance.

NM_181697.3(PRDX1):c.340C>T (p.Gln114Ter)

Gene: PRDX1 (peroxiredoxin 1; minus strand). Cytogenetic location: 1p34.1.
Variant type: single nucleotide variant.
Coding change: c.340C>T on transcript NM_181697.3 (MANE Select); coding-DNA position 340, C replaced by T.
Protein change: p.Gln114Ter; replaces glutamine 114 with a stop codon.
Molecular consequence: nonsense.
Genome position (GRCh38, 1-based): chr1:45,514,916, G>A on the plus strand (C>T on the coding strand, the complement: PRDX1 is on the minus strand). VCF-style: chr1-45514916-G-A. GRCh37 (hg19) VCF-style: chr1-45980588-G-A.
Other names: c.340C>T, p.Gln114Ter (NM_001202431.2, NM_002574.4, NM_181696.3); short protein forms Q114*.
Identifiers: ClinVar variation 2072613 (VCV002072613.4), dbSNP rs777372127, ClinGen allele CA828001.